The following is an entry in ClinVar:

ClinVar aggregate classification (germline): Pathogenic. Review status: reviewed by expert panel (3 of 4 stars). 4 submissions from 4 submitters: Pathogenic (1). 3 of the submissions do not count toward it. Last evaluated 2016-10-18.

Conditions:
Breast-ovarian cancer, familial, susceptibility to, 1 (BROVCA1). Also called: BRCA1 Hereditary Breast and Ovarian Cancer; OVARIAN CANCER, SUSCEPTIBILITY TO. Identifiers: Orphanet 145, MedGen C2676676, MONDO:0011450, OMIM 604370. Disease mechanism: loss of function.

Submissions (4):

Evidence-based Network for the Interpretation of Germline Mutant Alleles (ENIGMA)
Classification: Pathogenic for Breast-ovarian cancer, familial, susceptibility to, 1. Last evaluated: 2016-10-18. Review status: reviewed by expert panel. Criteria: ENIGMA BRCA1/2 Classification Criteria (2015). Collection method: curation. Allele origin: germline.
Comment: Variant allele predicted to encode a truncated non-functional protein.

Clinical Genetics and Genomics, Karolinska University Hospital
Classification: Pathogenic. Last evaluated: 2019-10-25. Review status: criteria provided, single submitter. Criteria: ACMG Guidelines, 2015. Collection method: clinical testing. Allele origin: germline. Affected: yes. Observed: 1 variant allele. Not counted in ClinVar's aggregate classification.

Consortium of Investigators of Modifiers of BRCA1/2 (CIMBA), c/o University of Cambridge
Classification: Pathogenic for Breast-ovarian cancer, familial, susceptibility to, 1. Last evaluated: 2015-10-02. Review status: criteria provided, single submitter. Criteria: CIMBA Mutation Classification guidelines May 2016. Collection method: clinical testing. Allele origin: germline. Not counted in ClinVar's aggregate classification.

BRCAlab, Lund University
Classification: Pathogenic for Breast-ovarian cancer, familial, susceptibility to, 1. Last evaluated: 2020-03-02. Review status: no assertion criteria provided. Collection method: clinical testing. Allele origin: germline. Affected: yes. Not counted in ClinVar's aggregate classification.

NM_007294.4(BRCA1):c.303T>A (p.Tyr101Ter)

Gene: BRCA1 (BRCA1 DNA repair associated; minus strand). Cytogenetic location: 17q21.31.
Variant type: single nucleotide variant.
Coding change: c.303T>A on transcript NM_007294.4 (MANE Select); coding-DNA position 303, T replaced by A.
Protein change: p.Tyr101Ter; replaces tyrosine 101 with a stop codon.
Molecular consequence: nonsense. On other transcripts: missense variant (3), non-coding transcript variant (1).
Genome position (GRCh38, 1-based): chr17:43,104,260, A>T on the plus strand (T>A on the coding strand, the complement: BRCA1 is on the minus strand). VCF-style: chr17-43104260-A-T. GRCh37 (hg19) VCF-style: chr17-41256277-A-T.
Other names: 422T>A (Y101X); c.93T>A, p.Tyr31Ter (NM_001407571.1, NM_001407853.1, NM_001407879.1 and 58 more transcripts); c.303T>A, p.Tyr101Ter (NM_001407581.1, NM_001407582.1, NM_001407583.1 and 165 more transcripts); c.294T>A, p.Asp98Glu (NM_001407646.1, NM_001407647.1, NM_001408408.1); c.225T>A, p.Tyr75Ter (NM_001407653.1, NM_001407654.1, NM_001407655.1 and 21 more transcripts); c.162T>A, p.Tyr54Ter (NM_001407692.1, NM_001407694.1, NM_001407695.1 and 99 more transcripts); c.-79T>A (NM_001407959.1, NM_001407960.1, NM_001407962.1 and 4 more transcripts); c.171T>A, p.Tyr57Ter (NM_001408451.1); short protein forms Y101*, Y54*, D98E, Y31*, Y57*, Y75*.
Identifiers: ClinVar variation 266331 (VCV000266331.8), dbSNP rs80356936, ClinGen allele CA10590025.